The following is an entry in ClinVar:

ClinVar aggregate classification (germline): Uncertain significance. Review status: criteria provided, multiple submitters, no conflicts (2 of 4 stars). 2 submissions from 2 submitters: Uncertain significance (2). Last evaluated 2024-10-29.

Conditions:
Pigmentary pallidal degeneration (NBIA1). Also called: PKAN NEUROAXONAL DYSTROPHY, JUVENILE-ONSET; Pantothenate Kinase-Associated Neurodegeneration; Neuroaxonal dystrophy, late infantile; Hallervorden-Spatz disease; HARP SYNDROME; Neurodegeneration with brain iron accumulation 1. Identifiers: Orphanet 157850, MedGen C0018523, MONDO:0009319, OMIM 234200.
Inborn genetic diseases. Identifiers: MedGen C0950123, MeSH D030342.

Allele frequency attached by ClinVar (database versions not stated): TOPMed below 0.00001; gnomAD 0.00001.
gnomAD v4.1: 2 of 1,609,632 alleles (0.00012%); highest among the groups gnomAD compares: Non-Finnish European, 0.00017%; no homozygotes.

Submissions (2):

Ambry Genetics
Classification: Uncertain significance for Inborn genetic diseases. Last evaluated: 2024-10-29. Review status: criteria provided, single submitter. Criteria: Ambry Variant Classification Scheme 2023. Collection method: clinical testing. Allele origin: germline.

Labcorp Genetics (formerly Invitae), Labcorp
Classification: Uncertain significance for Pigmentary pallidal degeneration. Last evaluated: 2021-08-14. Review status: criteria provided, single submitter. Criteria: Invitae Variant Classification Sherloc (09022015). Collection method: clinical testing. Allele origin: germline.
Comment: This sequence change replaces leucine with isoleucine at codon 27 of the PANK2 protein (p.Leu27Ile). The leucine residue is weakly conserved and there is a small physicochemical difference between leucine and isoleucine. This variant is not present in population databases (ExAC no frequency). This variant has not been reported in the literature in individuals affected with PANK2-related conditions. Algorithms developed to predict the effect of missense changes on protein structure and function (SIFT, PolyPhen-2, Align-GVGD) all suggest that this variant is likely to be tolerated. In summary, the available evidence is currently insufficient to determine the role of this variant in disease. Therefore, it has been classified as a Variant of Uncertain Significance.

NM_153638.4(PANK2):c.79C>A (p.Leu27Ile)

Gene: PANK2 (pantothenate kinase 2; plus strand). Cytogenetic location: 20p13.
Variant type: single nucleotide variant.
Coding change: c.79C>A on transcript NM_153638.4; coding-DNA position 79, C replaced by A.
Protein change: p.Leu27Ile; replaces leucine 27 with isoleucine.
Molecular consequence: missense variant. On other transcripts: intron variant (1).
Genome position (GRCh38, 1-based): chr20:3,889,179, C>A. VCF-style: chr20-3889179-C-A. GRCh37 (hg19) VCF-style: chr20-3869826-C-A.
Other names: c.79C>A, p.Leu27Ile (NM_001324192.1); c.-246+275C>A (NM_024960.6); short protein forms L27I.
Identifiers: ClinVar variation 1519712 (VCV001519712.7), dbSNP rs1427393180, ClinGen allele CA408138674.
Genomic context (GRCh38, chr20:3,889,179, plus strand): 5'-TTCCACCCACGCGTCCATTGGGCGGCGCCGCCATCACTCTCTTCTGGGCTACACCGCCTT[C>A]TCTTCCTCCGCGGAACCCGGATCCCCTCCTCCACCACCCTCTCCCCGCCCCGTCACGATA-3'